The following is an entry in ClinVar:

ClinVar aggregate classification (germline): Uncertain significance (1 of 4 stars; one submission).

Conditions:
Cardiovascular phenotype. Identifiers: MedGen CN230736.

Submission:

Ambry Genetics
Classification: Uncertain significance for Cardiovascular phenotype. Last evaluated: 2025-10-14. Review status: criteria provided, single submitter. Criteria: Ambry Variant Classification Scheme 2023. Collection method: clinical testing. Allele origin: germline.
Comment: The p.V993L variant (also known as c.2977G>C), located in coding exon 16 of the SCN10A gene, results from a G to C substitution at nucleotide position 2977. The valine at codon 993 is replaced by leucine, an amino acid with highly similar properties. This amino acid position is conserved. In addition, this alteration is predicted to be tolerated by in silico analysis. Based on the available evidence, the clinical significance of this variant remains unclear.

NM_006514.4(SCN10A):c.2977G>C (p.Val993Leu)

Genes: SCN10A (sodium voltage-gated channel alpha subunit 10; minus strand), LOC110121288 (VISTA enhancer hs2268; plus strand). Cytogenetic location: 3p22.2.
Variant type: single nucleotide variant.
Coding change: c.2977G>C on transcript NM_006514.4 (MANE Select); coding-DNA position 2977, G replaced by C.
Protein change: p.Val993Leu; replaces valine 993 with leucine.
Molecular consequence: missense variant.
Genome position (GRCh38, 1-based): chr3:38,726,716, C>G on the plus strand (G>C on the coding strand, the complement: SCN10A is on the minus strand). VCF-style: chr3-38726716-C-G. GRCh37 (hg19) VCF-style: chr3-38768207-C-G.
Other names: c.2977G>C, p.Val993Leu (NM_001293306.2); c.2683G>C, p.Val895Leu (NM_001293307.2); short protein forms V993L, V895L.
Identifiers: ClinVar variation 4614874 (VCV004614874.1).